The following is an entry in ClinVar:

ClinVar aggregate classification (germline): Benign. Review status: criteria provided, multiple submitters, no conflicts (2 of 4 stars). 3 submissions from 3 submitters: Benign (3). Last evaluated 2023-11-12.

Conditions:
Autoinflammatory syndrome, familial, Behcet-like. Identifiers: MedGen CN234876, MONDO:0031384.

Allele frequency attached by ClinVar (database versions not stated): ESP Exome Variant Server 0.48401; TOPMed 0.49380; gnomAD 0.49915 and 0.51222; 1000 Genomes Project 30x 0.51874; 1000 Genomes Project 0.53355; ExAC 0.61234; gnomAD exomes 0.62018.
gnomAD v4.1: 989,629 of 1,583,506 alleles (62%); highest among the groups gnomAD compares: East Asian, 86%; 319,081 homozygotes.

Submissions (3):

Unidad de Genómica Garrahan, Hospital de Pediatría Garrahan
Classification: Benign. Last evaluated: 2023-11-12. Review status: criteria provided, single submitter. Criteria: ACMG Guidelines, 2015. Collection method: clinical testing. Allele origin: germline. Affected: no. Observed: 76 variant alleles.
Comment: This variant is classified as Benign based on local population frequency. This variant was detected in 79% of patients studied by a panel of primary immunodeficiencies. Number of patients: 76. Only high quality variants are reported.

Genome-Nilou Lab
Classification: Benign for Autoinflammatory syndrome, familial, Behcet-like 1. Last evaluated: 2021-09-10. Review status: criteria provided, single submitter. Criteria: ACMG Guidelines, 2015. Collection method: clinical testing. Allele origin: germline. Affected: no.

GeneDx
Classification: Benign. Last evaluated: 2021-05-15. Review status: criteria provided, single submitter. Criteria: GeneDx Variant Classification Process June 2021. Collection method: clinical testing. Allele origin: germline. Affected: yes.

NM_001270508.2(TNFAIP3):c.805+28A>C

Genes: TNFAIP3 (TNF alpha induced protein 3; plus strand), LOC126859807 (MED14-independent group 3 enhancer GRCh37_chr6:138196296-138197495; plus strand). Cytogenetic location: 6q23.3.
Variant type: single nucleotide variant.
Coding change: c.805+28A>C on transcript NM_001270508.2 (MANE Select); 28 bases into the intron after coding-DNA position 805, A replaced by C.
Molecular consequence: intron variant.
Genome position (GRCh38, 1-based): chr6:137,876,194, A>C. VCF-style: chr6-137876194-A-C. GRCh37 (hg19) VCF-style: chr6-138197331-A-C.
Other names: c.805+28A>C (NM_001270507.2, NM_006290.4).
Identifiers: ClinVar variation 1281403 (VCV001281403.6), dbSNP rs661561, ClinGen allele CA4019508.